The following is an entry in ClinVar:

ClinVar aggregate classification (germline): Benign (1 of 4 stars; one submission).

Conditions:
Juvenile polyposis/hereditary hemorrhagic telangiectasia syndrome (JPHT). Also called: JP/HHT SYNDROME; JUVENILE POLYPOSIS WITH HEREDITARY HEMORRHAGIC TELANGIECTASIA; POLYPOSIS, GENERALIZED JUVENILE, WITH PULMONARY ARTERIOVENOUS MALFORMATION; TELANGIECTASIA, HEREDITARY HEMORRHAGIC, WITH JUVENILE POLYPOSIS COLI; Juvenile Polyposis Syndrome / Hereditary Hemorrhagic Telangiectasia (JPS/HHT). Identifiers: Orphanet 2929, MedGen C1832942, MONDO:0008278, OMIM 175050.

Submission:

Myriad Genetics, Inc.
Classification: Benign for Juvenile polyposis/hereditary hemorrhagic telangiectasia syndrome. Last evaluated: 2025-03-24. Review status: criteria provided, single submitter. Criteria: Myriad Autosomal Dominant, Autosomal Recessive and X-Linked Classification Criteria (2023). Collection method: clinical testing. Allele origin: unknown.
Comment: This variant is considered benign. This variant occurs in the non-coding 3' untranslated region of the gene, and is not expected to impact protein function.

NM_005359.6(SMAD4):c.*4C>G

Gene: SMAD4 (SMAD family member 4; plus strand). Cytogenetic location: 18q21.2.
Variant type: single nucleotide variant.
Coding change: c.*4C>G on transcript NM_005359.6 (MANE Select); 4 bases downstream of the stop codon, C replaced by G.
Molecular consequence: 3 prime UTR variant. On other transcripts: non-coding transcript variant (1).
Genome position (GRCh38, 1-based): chr18:51,078,471, C>G. VCF-style: chr18-51078471-C-G. GRCh37 (hg19) VCF-style: chr18-48604841-C-G.
Other names: c.*4C>G (NM_001407041.1, NM_001407042.1).
Identifiers: ClinVar variation 3904009 (VCV003904009.1).